The following is an entry in ClinVar:

NM_001370259.2(MEN1):c.333T>A (p.Gly111=)

Gene: MEN1 (menin 1; minus strand). Cytogenetic location: 11q13.1.
Variant type: single nucleotide variant.
Coding change: c.333T>A on transcript NM_001370259.2 (MANE Select); coding-DNA position 333, T replaced by A.
Protein change: p.Gly111=; no amino-acid change (glycine 111 retained).
Molecular consequence: synonymous variant. On other transcripts: non-coding transcript variant (4).
Genome position (GRCh38, 1-based): chr11:64,809,777, A>T on the plus strand (T>A on the coding strand, the complement: MEN1 is on the minus strand). VCF-style: chr11-64809777-A-T. GRCh37 (hg19) VCF-style: chr11-64577249-A-T.
Other names: c.333T>A, p.Gly111= (NM_000244.4, NM_001370251.2, NM_001370260.2 and 20 more transcripts).
Identifiers: ClinVar variation 3773319 (VCV003773319.1).
Genomic context (GRCh38, chr11:64,809,777, plus strand): 5'-GCGGCTGAGGCTGTTCCATATGACATCGGAGACCTTCTTCACCAGCTCACGGCTGGAGAC[A>T]CCCCCTTCTCGAGGATAGAGGGACAGGTCGACGGCGCCTCGGATCTGGGCGGTGAAGCGG-3'
Protein context (NP_001357188.2, residues 101-121): VDLSLYPREG[Gly111=]VSSRELVKKV

ClinVar aggregate classification (germline): Benign (1 of 4 stars; one submission).

Conditions:
Multiple endocrine neoplasia, type 1 (MEN1). Also called: MEN I; WERMER SYNDROME; Endocrine adenomatosis multiple; MEN 1; MEA I. Identifiers: Orphanet 652, MedGen C0025267, MeSH D018761, MONDO:0007540, OMIM 131100.

Submission:

Myriad Genetics, Inc.
Classification: Benign for Multiple endocrine neoplasia, type 1. Last evaluated: 2024-10-31. Review status: criteria provided, single submitter. Criteria: Myriad Autosomal Dominant, Autosomal Recessive and X-Linked Classification Criteria (2023). Collection method: clinical testing. Allele origin: unknown.
Comment: This variant is considered benign. This variant is a silent/synonymous amino acid change and it is not expected to impact splicing.